The following is an entry in ClinVar:

ClinVar aggregate classification (germline): Likely pathogenic (1 of 4 stars; one submission).

Conditions:
Sick sinus syndrome 2, autosomal dominant (SSS2). Also called: SICK SINUS SYNDROME 2; SICK SINUS SYNDROME 2 WITH OR WITHOUT CARDIAC NONCOMPACTION AND/OR ASCENDING AORTA DILATION; ATRIAL FIBRILLATION WITH BRADYARRHYTHMIA; SINUS BRADYCARDIA SYNDROME, FAMILIAL, AUTOSOMAL DOMINANT; SINUS NODE DISEASE, FAMILIAL, AUTOSOMAL DOMINANT. Identifiers: Orphanet 166282, MedGen C1834144, MONDO:0008102, OMIM 163800.

Submission:

Molecular Genetics Laboratory, Motol Hospital
Classification: Likely pathogenic for Sick sinus syndrome 2, autosomal dominant. Last evaluated: 2026-02-05. Review status: criteria provided, single submitter. Criteria: ACMG/ClinGen CNV Guidelines, 2019. Collection method: clinical testing. Allele origin: germline. Inheritance: Autosomal dominant inheritance. Affected: yes. Observed: 1 heterozygote.
Comment: The parental samples are not available for testing. The variant is rare, not present in control non-Finnish European population. The loss-of-function of the HCN4 is well-established mechanism of the diseases, however, large structural variants are extremely rare. The intragenic, multi-exonic HCN4 deletion is classified as likely pathogenic (ACMG PM2, PP1).

NM_005477.3(HCN4):c.1591-1861_2867del

Gene: HCN4 (hyperpolarization activated cyclic nucleotide gated potassium channel 4; minus strand). Cytogenetic location: 15q24.1.
Variant type: Deletion.
Coding change: c.1591-1861_2867del on transcript NM_005477.3 (MANE Select); 1861 bases into the intron before coding-DNA position 1591 through coding-DNA position 2867, 4,080 bases deleted.
Molecular consequence: splice acceptor variant, splice donor variant.
Genome position (GRCh38, 1-based): chr15:73,323,226-73,327,305, 4,080 bases deleted. GRCh37 (hg19): chr15:73,615,569-73,619,648.
Identifiers: ClinVar variation 4755562 (VCV004755562.1).